The following is an entry in ClinVar:

ClinVar aggregate classification (germline): Uncertain significance (1 of 4 stars; one submission).

Conditions:
Hereditary breast ovarian cancer syndrome. Also called: Breast and ovarian cancer; Hereditary breast and ovarian cancer syndrome; Hereditary breast and ovarian cancer syndrome (HBOC); BRCA1- and BRCA2-Associated Hereditary Breast and Ovarian Cancer; Hereditary breast and/or ovarian cancer syndrome; Hereditary breast and ovarian cancer. Identifiers: Orphanet 145, MedGen C0677776, MeSH D061325, MONDO:0003582. Disease mechanism: loss of function.

Submission:

Labcorp Genetics (formerly Invitae), Labcorp
Classification: Uncertain significance for Hereditary breast ovarian cancer syndrome. Last evaluated: 2025-06-03. Review status: criteria provided, single submitter. Criteria: Invitae Variant Classification Sherloc (09022015). Collection method: clinical testing. Allele origin: germline.
Comment: This sequence change replaces asparagine, which is neutral and polar, with serine, which is neutral and polar, at codon 1742 of the BRCA2 protein (p.Asn1742Ser). This variant is not present in population databases (gnomAD no frequency). This variant has not been reported in the literature in individuals affected with BRCA2-related conditions. Invitae Evidence Modeling of protein sequence and biophysical properties (such as structural, functional, and spatial information, amino acid conservation, physicochemical variation, residue mobility, and thermodynamic stability) indicates that this missense variant is not expected to disrupt BRCA2 protein function with a negative predictive value of 95%. In summary, the available evidence is currently insufficient to determine the role of this variant in disease. Therefore, it has been classified as a Variant of Uncertain Significance.

NM_000059.4(BRCA2):c.5225A>G (p.Asn1742Ser)

Gene: BRCA2 (BRCA2 DNA repair associated; plus strand). Cytogenetic location: 13q13.1.
Variant type: single nucleotide variant.
Coding change: c.5225A>G on transcript NM_000059.4 (MANE Select); coding-DNA position 5225, A replaced by G.
Protein change: p.Asn1742Ser; replaces asparagine 1742 with serine.
Molecular consequence: missense variant.
Genome position (GRCh38, 1-based): chr13:32,339,580, A>G. VCF-style: chr13-32339580-A-G. GRCh37 (hg19) VCF-style: chr13-32913717-A-G.
Other names: short protein forms N1742S.
Identifiers: ClinVar variation 4774544 (VCV004774544.1), dbSNP rs756463217.